The following is an entry in ClinVar:

NM_001037333.3(CYFIP2):c.3175G>T (p.Val1059Phe)

Genes: CYFIP2 (cytoplasmic FMR1 interacting protein 2; plus strand), NIPAL4-DT (NIPAL4 divergent transcript; minus strand). Cytogenetic location: 5q33.3.
Variant type: single nucleotide variant.
Coding change: c.3175G>T on transcript NM_001037333.3 (MANE Select); coding-DNA position 3175, G replaced by T.
Protein change: p.Val1059Phe; replaces valine 1059 with phenylalanine.
Molecular consequence: missense variant.
Genome position (GRCh38, 1-based): chr5:157,383,327, G>T. VCF-style: chr5-157383327-G-T. GRCh37 (hg19) VCF-style: chr5-156810335-G-T.
Other names: c.3097G>T, p.Val1033Phe (NM_001291721.2); c.3250G>T, p.Val1084Phe (NM_001291722.2); c.3175G>T, p.Val1059Phe (NM_014376.4); c.3175G>T (NM_001037333.1); short protein forms V1059F, V1084F, V1033F.
Identifiers: ClinVar variation 1426526 (VCV001426526.26), dbSNP rs780552029, ClinGen allele CA3534266.

ClinVar aggregate classification (germline): Conflicting classifications of pathogenicity. Review status: criteria provided, conflicting classifications (1 of 4 stars). 3 submissions from 3 submitters: Uncertain significance (1); Likely benign (2). Last evaluated 2025-01-08.

Conditions:
Inborn genetic diseases. Identifiers: MedGen C0950123, MeSH D030342.

Allele frequency attached by ClinVar (database versions not stated): ExAC 0.00001; gnomAD exomes 0.00001; TOPMed 0.00001.
gnomAD v4.1: 8 of 1,613,872 alleles (0.0005%); highest among the groups gnomAD compares: Non-Finnish European, 0.00068%; no homozygotes.

Submissions (3):

Labcorp Genetics (formerly Invitae), Labcorp
Classification: Likely benign. Last evaluated: 2025-01-08. Review status: criteria provided, single submitter. Criteria: Invitae Variant Classification Sherloc (09022015). Collection method: clinical testing. Allele origin: germline.

CeGaT Center for Human Genetics Tuebingen
Classification: Likely benign. Last evaluated: 2024-05-01. Review status: criteria provided, single submitter. Criteria: CeGaT Center For Human Genetics Tuebingen Variant Classification Criteria Version 2. Collection method: clinical testing. Allele origin: germline. Affected: yes. Observed: 1 variant allele.
Comment: CYFIP2: BS2

Ambry Genetics
Classification: Uncertain significance for Inborn genetic diseases. Last evaluated: 2023-11-14. Review status: criteria provided, single submitter. Criteria: Ambry Variant Classification Scheme 2023. Collection method: clinical testing. Allele origin: germline.